The following is an entry in ClinVar:

NM_013447.4(ADGRE2):c.143A>G (p.Asn48Ser)

Gene: ADGRE2 (adhesion G protein-coupled receptor E2; minus strand). Cytogenetic location: 19p13.12.
Variant type: single nucleotide variant.
Coding change: c.143A>G on transcript NM_013447.4 (MANE Select); coding-DNA position 143, A replaced by G.
Protein change: p.Asn48Ser; replaces asparagine 48 with serine.
Molecular consequence: missense variant.
Genome position (GRCh38, 1-based): chr19:14,773,994, T>C on the plus strand (A>G on the coding strand, the complement: ADGRE2 is on the minus strand). VCF-style: chr19-14773994-T-C. GRCh37 (hg19) VCF-style: chr19-14884806-T-C.
Other names: c.143A>G, p.Asn48Ser (NM_001271052.1, NM_152916.2, NM_152917.2); short protein forms N48S.
Identifiers: ClinVar variation 4753641 (VCV004753641.1).

ClinVar aggregate classification (germline): Uncertain significance (1 of 4 stars; one submission).

gnomAD v4.1: 10 of 1,614,084 alleles (0.00062%); highest among the groups gnomAD compares: South Asian, 0.0022%; 1 homozygote.

Submission:

Labcorp Genetics (formerly Invitae), Labcorp
Classification: Uncertain significance. Last evaluated: 2025-07-29. Review status: criteria provided, single submitter. Criteria: Invitae Variant Classification Sherloc (09022015). Collection method: clinical testing. Allele origin: germline.
Comment: This sequence change replaces asparagine, which is neutral and polar, with serine, which is neutral and polar, at codon 48 of the ADGRE2 protein (p.Asn48Ser). This variant is not present in population databases (gnomAD no frequency). This variant has not been reported in the literature in individuals affected with ADGRE2-related conditions. An algorithm developed to predict the effect of missense changes on protein structure and function outputs the following: PolyPhen-2: "Benign". The serine amino acid residue is found in multiple mammalian species, which suggests that this missense change does not adversely affect protein function. In summary, the available evidence is currently insufficient to determine the role of this variant in disease. Therefore, it has been classified as a Variant of Uncertain Significance.